The following is an entry in ClinVar:

ClinVar aggregate classification (germline): Likely pathogenic (1 of 4 stars; one submission).

Conditions:
Hereditary diffuse gastric adenocarcinoma (HDGC). Also called: DIFFUSE GASTRIC AND LOBULAR BREAST CANCER SYNDROME. Identifiers: Orphanet 26106, MedGen C1708349, MONDO:0007648, OMIM 137215.

Submission:

Labcorp Genetics (formerly Invitae), Labcorp
Classification: Likely pathogenic for Hereditary diffuse gastric adenocarcinoma. Last evaluated: 2023-08-02. Review status: criteria provided, single submitter. Criteria: Invitae Variant Classification Sherloc (09022015). Collection method: clinical testing. Allele origin: germline.
Comment: This variant has not been reported in the literature in individuals affected with CDH1-related conditions. This variant results in a copy number gain of the genomic region encompassing exon(s) 3-9 of the CDH1 gene. While the exact position of this variant cannot be determined from the data, sub-genic copy number gains are generally in tandem (PMID: 25640679). This variant is predicted to be out-of-frame, and may result in an absent or disrupted protein product. Loss-of-function variants in CDH1 are known to be pathogenic (PMID: 15235021, 20373070). In summary, the currently available evidence indicates that the variant is pathogenic, but additional data are needed to prove that conclusively. Therefore, this variant has been classified as Likely Pathogenic.

Literature cited by the submitters: PubMed 25640679; PubMed 15235021; PubMed 20373070.

NC_000016.9:g.(?_68835563)_(68847408_?)dup

Gene: CDH1 (cadherin 1; plus strand). Cytogenetic location: 16q22.1.
Variant type: Duplication.
Identifiers: ClinVar variation 1068286 (VCV001068286.7).